The following is an entry in ClinVar:

NM_004370.6(COL12A1):c.6188T>C (p.Val2063Ala)

Gene: COL12A1 (collagen type XII alpha 1 chain; minus strand). Cytogenetic location: 6q13.
Variant type: single nucleotide variant.
Coding change: c.6188T>C on transcript NM_004370.6 (MANE Select); coding-DNA position 6188, T replaced by C.
Protein change: p.Val2063Ala; replaces valine 2063 with alanine.
Molecular consequence: missense variant.
Genome position (GRCh38, 1-based): chr6:75,130,113, A>G on the plus strand (T>C on the coding strand, the complement: COL12A1 is on the minus strand). VCF-style: chr6-75130113-A-G. GRCh37 (hg19) VCF-style: chr6-75839829-A-G.
Other names: c.6188T>C, p.Val2063Ala (NM_001424113.1); c.6167T>C, p.Val2056Ala (NM_001424114.1); c.5915T>C, p.Val1972Ala (NM_001424115.1); c.2696T>C, p.Val899Ala (NM_001424116.1, NM_080645.3); short protein forms V2056A, V1972A, V899A, V2063A.
Identifiers: ClinVar variation 2936918 (VCV002936918.3), dbSNP rs1011558658, ClinGen allele CA140986867.
Genomic context (GRCh38, chr6:75,130,113, plus strand): 5'-GATGATAAAATGTGCCAATAAATGAGTATCAGACTTACATATTCATCAATTGGATCACCA[A>G]CAGTGGGAGAATAGATGATCCTGTACTGCTGAACTGGCCCATCAGCATGATCCCAGGCTA-3'
Protein context (NP_004361.3, residues 2053-2073): QQYRIIYSPT[Val2063Ala]GDPIDEYTTV

ClinVar aggregate classification (germline): Uncertain significance (1 of 4 stars; one submission).

Conditions:
Ullrich congenital muscular dystrophy 2 (UCMD2). Identifiers: Orphanet 75840, MedGen C4225314, MONDO:0014654, OMIM 616470.
Bethlem myopathy 2 (BTHLM2). Identifiers: Orphanet 536516, Orphanet 610, MedGen C4225313, MONDO:0034022, OMIM 616471.

Allele frequency attached by ClinVar (database versions not stated): gnomAD exomes below 0.00001.
gnomAD v4.1: 2 of 1,613,878 alleles (0.00012%); highest among the groups gnomAD compares: Non-Finnish European, 0.00017%; no homozygotes.

Submission:

Labcorp Genetics (formerly Invitae), Labcorp
Classification: Uncertain significance for Bethlem myopathy 2; Ullrich congenital muscular dystrophy 2. Last evaluated: 2023-12-28. Review status: criteria provided, single submitter. Criteria: Invitae Variant Classification Sherloc (09022015). Collection method: clinical testing. Allele origin: germline.
Comment: This sequence change replaces valine, which is neutral and non-polar, with alanine, which is neutral and non-polar, at codon 2063 of the COL12A1 protein (p.Val2063Ala). This variant is not present in population databases (gnomAD no frequency). This variant has not been reported in the literature in individuals affected with COL12A1-related conditions. Advanced modeling of protein sequence and biophysical properties (such as structural, functional, and spatial information, amino acid conservation, physicochemical variation, residue mobility, and thermodynamic stability) performed at Invitae indicates that this missense variant is not expected to disrupt COL12A1 protein function with a negative predictive value of 80%. In summary, the available evidence is currently insufficient to determine the role of this variant in disease. Therefore, it has been classified as a Variant of Uncertain Significance.